The following is an entry in ClinVar:

NM_001378454.1(ALMS1):c.5396C>G (p.Ser1799Ter)

Gene: ALMS1 (ALMS1 centrosome and basal body associated protein; plus strand). Cytogenetic location: 2p13.1.
Variant type: single nucleotide variant.
Coding change: c.5396C>G on transcript NM_001378454.1 (MANE Select); coding-DNA position 5396, C replaced by G.
Protein change: p.Ser1799Ter; replaces serine 1799 with a stop codon.
Molecular consequence: nonsense.
Genome position (GRCh38, 1-based): chr2:73,451,923, C>G. VCF-style: chr2-73451923-C-G. GRCh37 (hg19) VCF-style: chr2-73679050-C-G.
Other names: c.5399C>G, p.Ser1800Ter (NM_015120.4); short protein forms S1800*, S1799*.
Identifiers: ClinVar variation 2817353 (VCV002817353.3), dbSNP rs2103786356, ClinGen allele CA347281952.

ClinVar aggregate classification (germline): Pathogenic (1 of 4 stars; one submission).

Conditions:
Alstrom syndrome (ALMS). Identifiers: Orphanet 64, MedGen C0268425, MONDO:0008763, OMIM 203800.

Submission:

Labcorp Genetics (formerly Invitae), Labcorp
Classification: Pathogenic for Alstrom syndrome. Last evaluated: 2022-11-29. Review status: criteria provided, single submitter. Criteria: Invitae Variant Classification Sherloc (09022015). Collection method: clinical testing. Allele origin: germline.
Comment: This sequence change creates a premature translational stop signal (p.Ser1800*) in the ALMS1 gene. It is expected to result in an absent or disrupted protein product. Loss-of-function variants in ALMS1 are known to be pathogenic (PMID: 17594715). This variant is not present in population databases (gnomAD no frequency). This variant has not been reported in the literature in individuals affected with ALMS1-related conditions. For these reasons, this variant has been classified as Pathogenic.

Literature cited by the submitters: PubMed 17594715.